The following is an entry in ClinVar:

ClinVar aggregate classification (germline): Conflicting classifications of pathogenicity. Review status: criteria provided, conflicting classifications (1 of 4 stars). 6 submissions from 6 submitters: Likely pathogenic (1); Uncertain significance (5). Last evaluated 2026-01-28.

Conditions:
Hereditary spastic paraplegia. Also called: Familial spastic paraparesis. Identifiers: Orphanet 685, MedGen C0037773, MONDO:0019064. Disease mechanism: loss of function.
Hereditary spastic paraplegia 7 (SPG7). Also called: Autosomal recessive spastic paraplegia type 7; SPG7-related neurologic disorder; Spastic paraplegia 7; Hereditary spastic paraplegia Paraplegin type; SPASTIC PARAPLEGIA 7, AUTOSOMAL RECESSIVE, WITH OR WITHOUT CEREBELLAR ATAXIA. Identifiers: Orphanet 99013, MedGen C1846564, MONDO:0011803, OMIM 607259.

Allele frequency attached by ClinVar (database versions not stated): ExAC 0.00001; gnomAD 0.00001; gnomAD exomes 0.00001 and 0.00003; TOPMed 0.00003.
gnomAD v4.1: 43 of 1,613,800 alleles (0.0027%); highest among the groups gnomAD compares: Non-Finnish European, 0.0035%; no homozygotes.

Submissions (6):

GeneDx
Classification: Uncertain significance. Last evaluated: 2026-01-28. Review status: criteria provided, single submitter. Criteria: GeneDx Variant Classification Process June 2021. Collection method: clinical testing. Allele origin: germline. Affected: yes.
Comment: Reported as a rare damaging variant in a study of patients with spastic ataxia, mitochondrial dysfunction-associated symptoms, or motoneuron lesions (PMID: 39978794); Not observed at significant frequency in large population cohorts (gnomAD); In silico analysis supports that this missense variant has a deleterious effect on protein structure/function; This variant is associated with the following publications: (PMID: 22571692, 39978794)

Labcorp Genetics (formerly Invitae), Labcorp
Classification: Uncertain significance for Hereditary spastic paraplegia 7. Last evaluated: 2025-09-02. Review status: criteria provided, single submitter. Criteria: Invitae Variant Classification Sherloc (09022015). Collection method: clinical testing. Allele origin: germline.
Comment: This sequence change replaces glycine, which is neutral and non-polar, with serine, which is neutral and polar, at codon 352 of the SPG7 protein (p.Gly352Ser). This variant is present in population databases (rs537421502, gnomAD 0.004%). This missense change has been observed in individual(s) with clinical features of hereditary spastic paraplegia (internal data). ClinVar contains an entry for this variant (Variation ID: 1212498). Invitae Evidence Modeling of protein sequence and biophysical properties (such as structural, functional, and spatial information, amino acid conservation, physicochemical variation, residue mobility, and thermodynamic stability) indicates that this missense variant is expected to disrupt SPG7 protein function with a positive predictive value of 80%. In summary, the available evidence is currently insufficient to determine the role of this variant in disease. Therefore, it has been classified as a Variant of Uncertain Significance.

CeGaT Center for Human Genetics Tuebingen
Classification: Uncertain significance. Last evaluated: 2024-09-01. Review status: criteria provided, single submitter. Criteria: CeGaT Center For Human Genetics Tuebingen Variant Classification Criteria Version 2. Collection method: clinical testing. Allele origin: germline. Affected: yes. Observed: 1 variant allele.
Comment: SPG7: PM2, PP3

Kariminejad - Najmabadi Pathology & Genetics Center
Classification: Uncertain significance. Last evaluated: 2023-11-16. Review status: criteria provided, single submitter. Criteria: ACMG Guidelines, 2015. Collection method: clinical testing. Allele origin: germline. Inheritance: Autosomal dominant inheritance. Affected: yes.
Comment: PM1?,PM2_Supporting,PP3

PROSPAX: an integrated multimodal progression  chart in spastic ataxias, Center for Neurology; Hertie-Institute for Clinical Brain Research
Classification: Likely pathogenic for Hereditary spastic paraplegia 7. Last evaluated: 2022-01-01. Review status: criteria provided, single submitter. Criteria: ACMG Guidelines, 2015. Collection method: research. Allele origin: germline. Affected: yes. Observed: 1 variant allele, 1 compound heterozygote.

Genome Diagnostics Laboratory, The Hospital for Sick Children
Classification: Uncertain significance for Hereditary spastic paraplegia. Last evaluated: 2016-12-12. Review status: criteria provided, single submitter. Criteria: ACMG Guidelines, 2015. Collection method: clinical testing. Allele origin: germline. Affected: yes.

NM_003119.4(SPG7):c.1054G>A (p.Gly352Ser)

Gene: SPG7 (SPG7 matrix AAA peptidase subunit, paraplegin; plus strand). Cytogenetic location: 16q24.3.
Variant type: single nucleotide variant.
Coding change: c.1054G>A on transcript NM_003119.4 (MANE Select); coding-DNA position 1054, G replaced by A.
Protein change: p.Gly352Ser; replaces glycine 352 with serine.
Molecular consequence: missense variant.
Genome position (GRCh38, 1-based): chr16:89,531,970, G>A. VCF-style: chr16-89531970-G-A. GRCh37 (hg19) VCF-style: chr16-89598378-G-A.
Other names: c.1054G>A, p.Gly352Ser (NM_001363850.1, NM_199367.3); short protein forms G352S.
Identifiers: ClinVar variation 1212498 (VCV001212498.27), dbSNP rs537421502, ClinGen allele CA8243928.
Genomic context (GRCh38, chr16:89,531,970, plus strand): 5'-GAACGCTTCCTCCAGCTTGGCGCCAAGGTCCCAAAGGGCGCACTGCTGCTCGGCCCCCCC[G>A]GCTGTGGGAAGACGCTGCTGGCCAAGGCGGTGGCCACGGAGGCTCAGGTGCCCTTCCTGG-3'
Protein context (NP_003110.1, residues 342-362): PKGALLLGPP[Gly352Ser]CGKTLLAKAV